The following is an entry in ClinVar:

NM_022725.4(FANCF):c.708G>A (p.Val236=)

Gene: FANCF (FA complementation group F; minus strand). Cytogenetic location: 11p14.3.
Variant type: single nucleotide variant.
Coding change: c.708G>A on transcript NM_022725.4 (MANE Select); coding-DNA position 708, G replaced by A.
Protein change: p.Val236=; no amino-acid change (valine 236 retained).
Molecular consequence: synonymous variant.
Genome position (GRCh38, 1-based): chr11:22,625,103, C>T on the plus strand (G>A on the coding strand, the complement: FANCF is on the minus strand). VCF-style: chr11-22625103-C-T. GRCh37 (hg19) VCF-style: chr11-22646649-C-T.
Identifiers: ClinVar variation 3716103 (VCV003716103.2).

ClinVar aggregate classification (germline): Uncertain significance (1 of 4 stars; one submission).

Conditions:
Fanconi anemia (FA). Also called: Fanconi's anemia. Identifiers: Orphanet 84, MedGen C0015625, MeSH D005199, MONDO:0019391.

Submission:

Labcorp Genetics (formerly Invitae), Labcorp
Classification: Uncertain significance for Fanconi anemia. Last evaluated: 2024-07-19. Review status: criteria provided, single submitter. Criteria: Invitae Variant Classification Sherloc (09022015). Collection method: clinical testing. Allele origin: germline.
Comment: This sequence change affects codon 236 of the FANCF mRNA. It is a 'silent' change, meaning that it does not change the encoded amino acid sequence of the FANCF protein. This variant is present in population databases (rs760415310, gnomAD 0.003%). This variant has not been reported in the literature in individuals affected with FANCF-related conditions. In summary, the available evidence is currently insufficient to determine the role of this variant in disease. Therefore, it has been classified as a Variant of Uncertain Significance.